The following is an entry in ClinVar:

ClinVar aggregate classification (germline): Uncertain significance (1 of 4 stars; one submission).

Allele frequency attached by ClinVar (database versions not stated): TOPMed 0.00002; ExAC 0.00003; 1000 Genomes Project 0.00020; gnomAD 0.00001; 1000 Genomes Project 30x 0.00016.
gnomAD v4.1: 59 of 1,613,380 alleles (0.0037%); highest among the groups gnomAD compares: Non-Finnish European, 0.0047%; no homozygotes.

Submission:

Labcorp Genetics (formerly Invitae), Labcorp
Classification: Uncertain significance. Last evaluated: 2022-03-10. Review status: criteria provided, single submitter. Criteria: Invitae Variant Classification Sherloc (09022015). Collection method: clinical testing. Allele origin: germline.
Comment: This sequence change replaces glycine, which is neutral and non-polar, with serine, which is neutral and polar, at codon 196 of the LOXL3 protein (p.Gly196Ser). This variant is present in population databases (rs201296491, gnomAD 0.008%). This variant has not been reported in the literature in individuals affected with LOXL3-related conditions. Algorithms developed to predict the effect of missense changes on protein structure and function are either unavailable or do not agree on the potential impact of this missense change (SIFT: "Deleterious"; PolyPhen-2: "Benign"; Align-GVGD: "Class C55"). Algorithms developed to predict the effect of sequence changes on RNA splicing suggest that this variant may create or strengthen a splice site. In summary, the available evidence is currently insufficient to determine the role of this variant in disease. Therefore, it has been classified as a Variant of Uncertain Significance.

NM_032603.5(LOXL3):c.586G>A (p.Gly196Ser)

Genes: LOXL3 (lysyl oxidase like 3; minus strand), DOK1 (docking protein 1; plus strand). Cytogenetic location: 2p13.1.
Variant type: single nucleotide variant.
Coding change: c.586G>A on transcript NM_032603.5 (MANE Select); coding-DNA position 586, G replaced by A.
Protein change: p.Gly196Ser; replaces glycine 196 with serine.
Molecular consequence: missense variant. On other transcripts: 5 prime UTR variant (1), intron variant (2).
Genome position (GRCh38, 1-based): chr2:74,549,475, C>T on the plus strand (G>A on the coding strand, the complement: LOXL3 is on the minus strand). VCF-style: chr2-74549475-C-T. GRCh37 (hg19) VCF-style: chr2-74776602-C-T.
Other names: c.-278G>A (NM_001289165.2); c.477+710G>A (NM_001289164.3); c.-358+303C>T (NM_001197260.2); short protein forms G196S.
Identifiers: ClinVar variation 1474675 (VCV001474675.6), dbSNP rs201296491, ClinGen allele CA1729137.